The following is an entry in ClinVar:

NM_006084.5(IRF9):c.653A>G (p.Tyr218Cys)

Gene: IRF9 (interferon regulatory factor 9; plus strand). Cytogenetic location: 14q12.
Variant type: single nucleotide variant.
Coding change: c.653A>G on transcript NM_006084.5 (MANE Select); coding-DNA position 653, A replaced by G.
Protein change: p.Tyr218Cys; replaces tyrosine 218 with cysteine.
Molecular consequence: missense variant. On other transcripts: intron variant (1).
Genome position (GRCh38, 1-based): chr14:24,164,617, A>G. VCF-style: chr14-24164617-A-G. GRCh37 (hg19) VCF-style: chr14-24633826-A-G.
Other names: c.680A>G, p.Tyr227Cys (NM_001385400.1, NM_001385401.1); c.650-260A>G (NM_001385402.1); short protein forms Y218C, Y227C.
Identifiers: ClinVar variation 1409894 (VCV001409894.8), dbSNP rs569115226, ClinGen allele CA7126539.

ClinVar aggregate classification (germline): Uncertain significance (1 of 4 stars; one submission).

Allele frequency attached by ClinVar (database versions not stated): gnomAD exomes below 0.00001 and 0.00001; gnomAD 0.00001; TOPMed 0.00002; ExAC 0.00003; 1000 Genomes Project 30x 0.00016; 1000 Genomes Project 0.00020.
gnomAD v4.1: 8 of 1,592,670 alleles (0.0005%); highest among the groups gnomAD compares: African/African-American, 0.004%; no homozygotes.

Submission:

Labcorp Genetics (formerly Invitae), Labcorp
Classification: Uncertain significance. Last evaluated: 2024-01-26. Review status: criteria provided, single submitter. Criteria: Invitae Variant Classification Sherloc (09022015). Collection method: clinical testing. Allele origin: germline.
Comment: This sequence change replaces tyrosine, which is neutral and polar, with cysteine, which is neutral and slightly polar, at codon 218 of the IRF9 protein (p.Tyr218Cys). This variant is present in population databases (rs569115226, gnomAD 0.007%). This variant has not been reported in the literature in individuals affected with IRF9-related conditions. ClinVar contains an entry for this variant (Variation ID: 1409894). An algorithm developed to predict the effect of missense changes on protein structure and function (PolyPhen-2) suggests that this variant is likely to be disruptive. In summary, the available evidence is currently insufficient to determine the role of this variant in disease. Therefore, it has been classified as a Variant of Uncertain Significance.